The following is an entry in ClinVar:

ClinVar aggregate classification (germline): Uncertain significance (1 of 4 stars; one submission).

Allele frequency attached by ClinVar (database versions not stated): gnomAD 0.00011; TOPMed 0.00012; ESP Exome Variant Server 0.00023.
gnomAD v4.1: 422 of 1,614,062 alleles (0.026%); highest among the groups gnomAD compares: Non-Finnish European, 0.035%; 1 homozygote.

Submission:

Labcorp Genetics (formerly Invitae), Labcorp
Classification: Uncertain significance. Last evaluated: 2023-10-02. Review status: criteria provided, single submitter. Criteria: Invitae Variant Classification Sherloc (09022015). Collection method: clinical testing. Allele origin: germline.
Comment: This sequence change replaces glycine, which is neutral and non-polar, with aspartic acid, which is acidic and polar, at codon 634 of the DSG4 protein (p.Gly634Asp). This variant is present in population databases (rs142245695, gnomAD 0.02%). This variant has not been reported in the literature in individuals affected with DSG4-related conditions. ClinVar contains an entry for this variant (Variation ID: 2060111). Advanced modeling of protein sequence and biophysical properties (such as structural, functional, and spatial information, amino acid conservation, physicochemical variation, residue mobility, and thermodynamic stability) performed at Invitae indicates that this missense variant is expected to disrupt DSG4 protein function. In summary, the available evidence is currently insufficient to determine the role of this variant in disease. Therefore, it has been classified as a Variant of Uncertain Significance.

NM_177986.5(DSG4):c.1901G>A (p.Gly634Asp)

Genes: DSG1-AS1 (DSG1 antisense RNA 1; minus strand), DSG4 (desmoglein 4; plus strand). Cytogenetic location: 18q12.1.
Variant type: single nucleotide variant.
Coding change: c.1901G>A on transcript NM_177986.5 (MANE Select); coding-DNA position 1901, G replaced by A.
Protein change: p.Gly634Asp; replaces glycine 634 with aspartic acid.
Molecular consequence: missense variant.
Genome position (GRCh38, 1-based): chr18:31,406,341, G>A. VCF-style: chr18-31406341-G-A. GRCh37 (hg19) VCF-style: chr18-28986304-G-A.
Other names: c.1901G>A, p.Gly634Asp (NM_001134453.3); short protein forms G634D.
Identifiers: ClinVar variation 2060111 (VCV002060111.3), dbSNP rs142245695, ClinGen allele CA8927118.